The following is an entry in ClinVar:

NM_006206.6(PDGFRA):c.1431_1432delinsGC (p.His477_Ser478delinsGlnPro)

Gene: PDGFRA (platelet derived growth factor receptor alpha; plus strand). Cytogenetic location: 4q12.
Variant type: Indel.
Coding change: c.1431_1432delinsGC on transcript NM_006206.6 (MANE Select); coding-DNA positions 1431 to 1432, CT replaced by GC.
Protein change: p.His477_Ser478delinsGlnPro.
Molecular consequence: missense variant.
Genome position (GRCh38, 1-based): chr4:54,273,603-54,273,604, CT replaced by GC. VCF-style: chr4-54273603-CT-GC. GRCh37 (hg19) VCF-style: chr4-55139770-CT-GC.
Other names: c.1431_1432delinsGC, p.His477_Ser478delinsGlnPro (NM_001347827.2, NM_001347829.2); c.1506_1507delinsGC, p.His502_Ser503delinsGlnPro (NM_001347828.2); c.1470_1471delinsGC, p.His490_Ser491delinsGlnPro (NM_001347830.2); c.1431_1432delCTinsGC (NM_006206.4).
Identifiers: ClinVar variation 939540 (VCV000939540.11), dbSNP rs1723530523, ClinGen allele CA1139658498.

ClinVar aggregate classification (germline): Uncertain significance. Review status: criteria provided, multiple submitters, no conflicts (2 of 4 stars). 2 submissions from 2 submitters: Uncertain significance (2). Last evaluated 2026-07-30.

Conditions:
Hereditary cancer-predisposing syndrome. Also called: Neoplastic Syndromes, Hereditary; Hereditary Cancer Syndrome; Tumor predisposition; Hereditary neoplastic syndrome. Identifiers: Orphanet 140162, MedGen C0027672, MeSH D009386, MONDO:0015356.
Gastrointestinal stromal tumor. Also called: Gastrointestinal stromal tumor, somatic; Gastrointestinal stroma tumor. Identifiers: Orphanet 44890, MedGen C0238198, MeSH D046152, MONDO:0011719, OMIM 606764, HP:0100723.

Submissions (2):

Ambry Genetics
Classification: Uncertain significance for Hereditary cancer-predisposing syndrome. Last evaluated: 2026-07-30. Review status: criteria provided, single submitter. Criteria: Ambry Variant Classification Scheme 2023. Collection method: clinical testing. Allele origin: germline.
Comment: The c.1431_1432delCTinsGC variant (also known as p.H477_S478delinsQP), located in coding exon 8 of the PDGFRA gene, results from an in-frame deletion of CT and insertion of GC at nucleotide positions 1431 to 1432. This results in the substitution of H and S residues for Q and P residues at codons 477 and 478. This amino acid region is not well conserved in available vertebrate species. In addition, this variant is predicted to be neutral by in silico analysis (Choi Y et al. PLoS ONE. 2012; 7(10):e46688). Based on the available evidence, the clinical significance of this variant remains unclear.

Labcorp Genetics (formerly Invitae), Labcorp
Classification: Uncertain significance for Gastrointestinal stromal tumor. Last evaluated: 2022-05-12. Review status: criteria provided, single submitter. Criteria: Invitae Variant Classification Sherloc (09022015). Collection method: clinical testing. Allele origin: germline.
Comment: In summary, the available evidence is currently insufficient to determine the role of this variant in disease. Therefore, it has been classified as a Variant of Uncertain Significance. Experimental studies and prediction algorithms are not available or were not evaluated, and the functional significance of this variant is currently unknown. ClinVar contains an entry for this variant (Variation ID: 939540). This variant has not been reported in the literature in individuals affected with PDGFRA-related conditions. Information on the frequency of this variant in the gnomAD database is not available, as this variant may be reported differently in the database. This variant, c.1431_1432delinsGC, is a complex sequence change that results in the deletion of histidine serine, and insertion of glutamine amino acid(s) in the PDGFRA protein (p.His477_Ser478delinsGlnPro).